The following is an entry in ClinVar:

NM_000051.4(ATM):c.6635_6636del (p.Leu2212fs)

Genes: ATM (ATM serine/threonine kinase; plus strand), C11orf65 (chromosome 11 open reading frame 65; minus strand). Cytogenetic location: 11q22.3.
Variant type: Microsatellite.
Coding change: c.6635_6636del on transcript NM_000051.4 (MANE Select); coding-DNA positions 6635 to 6636, 2 bases deleted (TC; older notation c.6635_6636delTC).
Protein change: p.Leu2212fs; shifts the reading frame from leucine 2212.
Molecular consequence: frameshift variant. On other transcripts: intron variant (2).
Genome position (GRCh38, 1-based): chr11:108,325,372-108,325,373, TC deleted; deleting any 2 consecutive bases within chr11:108,325,370-108,325,373 gives the same sequence; the c. name uses the placement nearest the transcript's 3' end. VCF-style (leftmost placement, unchanged base first): chr11-108325369-TTC-T. GRCh37 (hg19) VCF-style: chr11-108196096-TTC-T.
Other names: c.6635_6636del, p.Leu2212fs (NM_001351834.2); c.641-16300_641-16299del (NM_001330368.2); c.*38+9849_*38+9850del (NM_001351110.2); short protein forms L2212fs.
Identifiers: ClinVar variation 1071105 (VCV001071105.10), dbSNP rs768909644, ClinGen allele CA6265992.
Genomic context (GRCh38, chr11:108,325,369, plus strand): 5'-GATCAGTCACACATAGACAACTCTCTGAAGTATATATTAAGTGGCAGAAACACTCCCAGC[TTC>T]TCAAGGACAGTGATTTTAGTTTTCAGGAGCCTATCATGGCTCTACGCACAGTCATTTTGG-3'

ClinVar aggregate classification (germline): Pathogenic/Likely pathogenic. Review status: criteria provided, multiple submitters, no conflicts (2 of 4 stars). 3 submissions from 3 submitters: Pathogenic (2); Likely pathogenic (1). Last evaluated 2024-01-30.

Conditions:
Ataxia-telangiectasia syndrome (AT). Also called: Ataxia telangiectasia (A-T); ATAXIA-TELANGIECTASIA, COMPLEMENTATION GROUP A; ATAXIA-TELANGIECTASIA, FRESNO VARIANT; Ataxia-telangiectasia; Ataxia-telangiectasia, complementation group E; LOUIS-BAR SYNDROME. Identifiers: Orphanet 100, MedGen C0004135, MONDO:0008840, OMIM 208900.
Familial cancer of breast. Also called: Hereditary breast cancer; hereditary breast carcinoma; BREAST CANCER, FAMILIAL. Identifiers: Orphanet 227535, MedGen C0346153, MONDO:0016419, OMIM 114480. Disease mechanism: loss of function.

Submissions (3):

Myriad Genetics, Inc.
Classification: Pathogenic for Familial cancer of breast. Last evaluated: 2024-01-30. Review status: criteria provided, single submitter. Criteria: Myriad Autosomal Dominant, Autosomal Recessive and X-Linked Classification Criteria (2023). Collection method: clinical testing. Allele origin: unknown.
Comment: This variant is considered pathogenic. This variant creates a frameshift predicted to result in premature protein truncation.

Baylor Genetics
Classification: Likely pathogenic for Familial cancer of breast. Last evaluated: 2022-12-28. Review status: criteria provided, single submitter. Criteria: ACMG Guidelines, 2015. Collection method: clinical testing. Allele origin: unknown.

Labcorp Genetics (formerly Invitae), Labcorp
Classification: Pathogenic for Ataxia-telangiectasia syndrome. Last evaluated: 2022-04-08. Review status: criteria provided, single submitter. Criteria: Invitae Variant Classification Sherloc (09022015). Collection method: clinical testing. Allele origin: germline.
Comment: For these reasons, this variant has been classified as Pathogenic. Algorithms developed to predict the effect of sequence changes on RNA splicing suggest that this variant may disrupt the consensus splice site. This variant has not been reported in the literature in individuals affected with ATM-related conditions. This variant is present in population databases (rs768909644, gnomAD 0.0009%). This sequence change creates a premature translational stop signal (p.Leu2212Glnfs*4) in the ATM gene. It is expected to result in an absent or disrupted protein product. Loss-of-function variants in ATM are known to be pathogenic (PMID: 23807571, 25614872).

Literature cited by the submitters: PubMed 23807571 (cited by Labcorp Genetics (formerly Invitae), Labcorp); PubMed 25614872 (cited by Labcorp Genetics (formerly Invitae), Labcorp).